The following is an entry in ClinVar:

NM_022489.4(INF2):c.3029C>A (p.Ala1010Asp)

Gene: INF2 (inverted formin 2; plus strand). Cytogenetic location: 14q32.33.
Variant type: single nucleotide variant.
Coding change: c.3029C>A on transcript NM_022489.4 (MANE Select); coding-DNA position 3029, C replaced by A.
Protein change: p.Ala1010Asp; replaces alanine 1010 with aspartic acid.
Molecular consequence: missense variant. On other transcripts: non-coding transcript variant (1).
Genome position (GRCh38, 1-based): chr14:104,713,595, C>A. VCF-style: chr14-104713595-C-A. GRCh37 (hg19) VCF-style: chr14-105179932-C-A.
Other names: c.3029C>A, p.Ala1010Asp (NM_001031714.4, NM_001426862.1, NM_001426863.1 and 2 more transcripts); short protein forms A1010D.
Identifiers: ClinVar variation 4792345 (VCV004792345.1).

ClinVar aggregate classification (germline): Uncertain significance (1 of 4 stars; one submission).

Conditions:
Focal segmental glomerulosclerosis 5 (FSGS5). Identifiers: Orphanet 656, MedGen C2750475, MONDO:0013191, OMIM 613237.
Charcot-Marie-Tooth disease dominant intermediate E. Also called: CHARCOT-MARIE-TOOTH NEUROPATHY WITH FOCAL SEGMENTAL GLOMERULONEPHRITIS. Identifiers: Orphanet 93114, MedGen C4302667, MONDO:0013758, OMIM 614455.

gnomAD v4.1: 1 of 1,612,562 alleles (0.000062%); highest among the groups gnomAD compares: Non-Finnish European, 0.000085%; no homozygotes.

Submission:

Labcorp Genetics (formerly Invitae), Labcorp
Classification: Uncertain significance for Charcot-Marie-Tooth disease dominant intermediate E; Focal segmental glomerulosclerosis 5. Last evaluated: 2025-05-22. Review status: criteria provided, single submitter. Criteria: Invitae Variant Classification Sherloc (09022015). Collection method: clinical testing. Allele origin: germline.
Comment: This sequence change replaces alanine, which is neutral and non-polar, with aspartic acid, which is acidic and polar, at codon 1010 of the INF2 protein (p.Ala1010Asp). This variant is not present in population databases (gnomAD no frequency). This variant has not been reported in the literature in individuals affected with INF2-related conditions. Invitae Evidence Modeling of protein sequence and biophysical properties (such as structural, functional, and spatial information, amino acid conservation, physicochemical variation, residue mobility, and thermodynamic stability) indicates that this missense variant is not expected to disrupt INF2 protein function with a negative predictive value of 95%. In summary, the available evidence is currently insufficient to determine the role of this variant in disease. Therefore, it has been classified as a Variant of Uncertain Significance.